The following is an entry in ClinVar:

ClinVar aggregate classification (germline): Uncertain significance. Review status: criteria provided, multiple submitters, no conflicts (2 of 4 stars). 2 submissions from 2 submitters: Uncertain significance (2). Last evaluated 2026-05-14.

Conditions:
Hereditary cancer-predisposing syndrome. Also called: Tumor predisposition; Hereditary Cancer Syndrome; Hereditary neoplastic syndrome; Neoplastic Syndromes, Hereditary. Identifiers: Orphanet 140162, MedGen C0027672, MeSH D009386, MONDO:0015356.

Allele frequency attached by ClinVar (database versions not stated): gnomAD exomes below 0.00001.
gnomAD v4.1: 1 of 1,608,070 alleles (0.000062%); highest among the groups gnomAD compares: Admixed American, 0.0017%; no homozygotes.

Submissions (2):

Ambry Genetics
Classification: Uncertain significance for Hereditary cancer-predisposing syndrome. Last evaluated: 2026-05-14. Review status: criteria provided, single submitter. Criteria: Ambry Variant Classification Scheme 2023. Collection method: clinical testing. Allele origin: germline.
Comment: The p.A355G variant (also known as c.1064C>G), located in coding exon 7 of the CTNNA1 gene, results from a C to G substitution at nucleotide position 1064. The alanine at codon 355 is replaced by glycine, an amino acid with similar properties. This amino acid position is conserved. In addition, this alteration is predicted to be tolerated by in silico analysis. Based on the available evidence, the clinical significance of this variant remains unclear.

Labcorp Genetics (formerly Invitae), Labcorp
Classification: Uncertain significance. Last evaluated: 2022-06-24. Review status: criteria provided, single submitter. Criteria: Invitae Variant Classification Sherloc (09022015). Collection method: clinical testing. Allele origin: germline.
Comment: This sequence change replaces alanine, which is neutral and non-polar, with glycine, which is neutral and non-polar, at codon 355 of the CTNNA1 protein (p.Ala355Gly). This variant is not present in population databases (gnomAD no frequency). This variant has not been reported in the literature in individuals affected with CTNNA1-related conditions. Algorithms developed to predict the effect of missense changes on protein structure and function are either unavailable or do not agree on the potential impact of this missense change (SIFT: "Deleterious"; PolyPhen-2: "Benign"; Align-GVGD: "Class C0"). In summary, the available evidence is currently insufficient to determine the role of this variant in disease. Therefore, it has been classified as a Variant of Uncertain Significance.

NM_001903.5(CTNNA1):c.1064C>G (p.Ala355Gly)

Gene: CTNNA1 (catenin alpha 1; plus strand). Cytogenetic location: 5q31.2.
Variant type: single nucleotide variant.
Coding change: c.1064C>G on transcript NM_001903.5 (MANE Select); coding-DNA position 1064, C replaced by G.
Protein change: p.Ala355Gly; replaces alanine 355 with glycine.
Molecular consequence: missense variant. On other transcripts: 5 prime UTR variant (26), intron variant (2).
Genome position (GRCh38, 1-based): chr5:138,886,213, C>G. VCF-style: chr5-138886213-C-G. GRCh37 (hg19) VCF-style: chr5-138221902-C-G.
Other names: c.1064C>G (NM_001903.2); c.1064C>G, p.Ala355Gly (NM_001290307.3, NM_001323982.2, NM_001323983.1 and 3 more transcripts); c.755C>G, p.Ala252Gly (NM_001290309.3); c.695C>G, p.Ala232Gly (NM_001290310.3); c.-47C>G (NM_001290312.1, NM_001323987.1, NM_001323988.1 and 18 more transcripts); c.-444C>G (NM_001324006.1, NM_001324007.1, NM_001324008.1 and 1 more transcripts); c.-319C>G (NM_001324013.1); c.-58+10616C>G (NM_001324012.1); and 1 more; short protein forms A232G, A355G, A252G.
Identifiers: ClinVar variation 2129324 (VCV002129324.5), dbSNP rs2532979813, ClinGen allele CA361132449.